The following is an entry in ClinVar:

ClinVar aggregate classification (germline): Uncertain significance. Review status: criteria provided, multiple submitters, no conflicts (2 of 4 stars). 2 submissions from 2 submitters: Uncertain significance (2). Last evaluated 2024-06-18.

Conditions:
Cardiovascular phenotype. Identifiers: MedGen CN230736.

Allele frequency attached by ClinVar (database versions not stated): TOPMed below 0.00001.

Submissions (2):

GeneDx
Classification: Uncertain significance. Last evaluated: 2024-06-18. Review status: criteria provided, single submitter. Criteria: GeneDx Variant Classification Process June 2021. Collection method: clinical testing. Allele origin: germline. Affected: yes.
Comment: Not observed at significant frequency in large population cohorts (gnomAD); In silico analysis indicates that this missense variant does not alter protein structure/function; Has not been previously published as pathogenic or benign to our knowledge

Ambry Genetics
Classification: Uncertain significance for Cardiovascular phenotype. Last evaluated: 2022-04-09. Review status: criteria provided, single submitter. Criteria: Ambry Variant Classification Scheme 2023. Collection method: clinical testing. Allele origin: germline.
Comment: The p.F13Y variant (also known as c.38T>A), located in coding exon 1 of the SCN10A gene, results from a T to A substitution at nucleotide position 38. The phenylalanine at codon 13 is replaced by tyrosine, an amino acid with highly similar properties. This amino acid position is conserved. In addition, the in silico prediction for this alteration is inconclusive. Since supporting evidence is limited at this time, the clinical significance of this alteration remains unclear.

NM_006514.4(SCN10A):c.38T>A (p.Phe13Tyr)

Gene: SCN10A (sodium voltage-gated channel alpha subunit 10; minus strand). Cytogenetic location: 3p22.2.
Variant type: single nucleotide variant.
Coding change: c.38T>A on transcript NM_006514.4 (MANE Select); coding-DNA position 38, T replaced by A.
Protein change: p.Phe13Tyr; replaces phenylalanine 13 with tyrosine.
Molecular consequence: missense variant.
Genome position (GRCh38, 1-based): chr3:38,793,973, A>T on the plus strand (T>A on the coding strand, the complement: SCN10A is on the minus strand). VCF-style: chr3-38793973-A-T. GRCh37 (hg19) VCF-style: chr3-38835464-A-T.
Other names: c.38T>A, p.Phe13Tyr (NM_001293306.2, NM_001293307.2); short protein forms F13Y.
Identifiers: ClinVar variation 1736009 (VCV001736009.3), dbSNP rs981530434, ClinGen allele CA72963611.